The following is an entry in ClinVar:

NM_005228.5(EGFR):c.1781C>A (p.Thr594Asn)

Gene: EGFR (epidermal growth factor receptor; plus strand). Cytogenetic location: 7p11.2.
Variant type: single nucleotide variant.
Coding change: c.1781C>A on transcript NM_005228.5 (MANE Select); coding-DNA position 1781, C replaced by A.
Protein change: p.Thr594Asn; replaces threonine 594 with asparagine.
Molecular consequence: missense variant.
Genome position (GRCh38, 1-based): chr7:55,165,338, C>A. VCF-style: chr7-55165338-C-A. GRCh37 (hg19) VCF-style: chr7-55233031-C-A.
Other names: c.1646C>A, p.Thr549Asn (NM_001346897.2, NM_001346899.2); c.1781C>A, p.Thr594Asn (NM_001346898.2, NM_201282.2, NM_201284.2); c.1622C>A, p.Thr541Asn (NM_001346900.2); c.980C>A, p.Thr327Asn (NM_001346941.2); short protein forms T327N, T549N, T541N, T594N.
Identifiers: ClinVar variation 960994 (VCV000960994.8), dbSNP rs778011429, ClinGen allele CA4265693.
Genomic context (GRCh38, chr7:55,165,338, plus strand): 5'-AGGGACCAGACAACTGTATCCAGTGTGCCCACTACATTGACGGCCCCCACTGCGTCAAGA[C>A]CTGCCCGGCAGGAGTCATGGGAGAAAACAACACCCTGGTCTGGAAGTACGCAGACGCCGG-3'
Protein context (NP_005219.2, residues 584-604): HYIDGPHCVK[Thr594Asn]CPAGVMGENN

ClinVar aggregate classification (germline): Conflicting classifications of pathogenicity. Review status: criteria provided, conflicting classifications (1 of 4 stars). 2 submissions from 2 submitters: Uncertain significance (1); Likely benign (1). Last evaluated 2025-12-10.

Conditions:
Hereditary cancer-predisposing syndrome. Also called: Tumor predisposition; Hereditary neoplastic syndrome; Neoplastic Syndromes, Hereditary; Hereditary Cancer Syndrome. Identifiers: Orphanet 140162, MedGen C0027672, MeSH D009386, MONDO:0015356.
EGFR-related lung cancer (EGFR). Identifiers: MedGen CN130014.

Allele frequency attached by ClinVar (database versions not stated): gnomAD 0.00001; TOPMed 0.00001; ExAC 0.00002.
gnomAD v4.1: 36 of 1,614,088 alleles (0.0022%); highest among the groups gnomAD compares: East Asian, 0.0045%; no homozygotes.

Submissions (2):

Labcorp Genetics (formerly Invitae), Labcorp
Classification: Uncertain significance for EGFR-related lung cancer. Last evaluated: 2025-12-10. Review status: criteria provided, single submitter. Criteria: Invitae Variant Classification Sherloc (09022015). Collection method: clinical testing. Allele origin: germline.
Comment: This sequence change replaces threonine, which is neutral and polar, with asparagine, which is neutral and polar, at codon 594 of the EGFR protein (p.Thr594Asn). This variant is present in population databases (rs778011429, gnomAD 0.006%). This variant has not been reported in the literature in individuals affected with EGFR-related conditions. ClinVar contains an entry for this variant (Variation ID: 960994). Invitae Evidence Modeling of protein sequence and biophysical properties (such as structural, functional, and spatial information, amino acid conservation, physicochemical variation, residue mobility, and thermodynamic stability) indicates that this missense variant is not expected to disrupt EGFR protein function with a negative predictive value of 80%. In summary, the available evidence is currently insufficient to determine the role of this variant in disease. Therefore, it has been classified as a Variant of Uncertain Significance.

Ambry Genetics
Classification: Likely benign for Hereditary cancer-predisposing syndrome. Last evaluated: 2024-12-09. Review status: criteria provided, single submitter. Criteria: Ambry Variant Classification Scheme 2023. Collection method: clinical testing. Allele origin: germline.